The following is an entry in ClinVar:

NM_001244008.2(KIF1A):c.5149C>T (p.Arg1717Trp)

Gene: KIF1A (kinesin family member 1A; minus strand). Cytogenetic location: 2q37.3.
Variant type: single nucleotide variant.
Coding change: c.5149C>T on transcript NM_001244008.2 (MANE Select); coding-DNA position 5149, C replaced by T.
Protein change: p.Arg1717Trp; replaces arginine 1717 with tryptophan.
Molecular consequence: missense variant.
Genome position (GRCh38, 1-based): chr2:240,719,071, G>A on the plus strand (C>T on the coding strand, the complement: KIF1A is on the minus strand). VCF-style: chr2-240719071-G-A. GRCh37 (hg19) VCF-style: chr2-241658488-G-A.
Other names: c.4873C>T, p.Arg1625Trp (NM_001320705.2, NM_001379649.1); c.4900C>T, p.Arg1634Trp (NM_001330289.2); c.4948C>T, p.Arg1650Trp (NM_001330290.2, NM_001379648.1); c.5224C>T, p.Arg1742Trp (NM_001379631.1); c.5125C>T, p.Arg1709Trp (NM_001379632.1); c.5122C>T, p.Arg1708Trp (NM_001379633.1, NM_001379645.1); c.4975C>T, p.Arg1659Trp (NM_001379634.1); c.4972C>T, p.Arg1658Trp (NM_001379635.1, NM_001379646.1); and 7 more; short protein forms R1615W, R1616W, R1624W, R1625W, R1633W, R1634W, R1641W, R1650W.
Identifiers: ClinVar variation 3760757 (VCV003760757.2).

ClinVar aggregate classification (germline): Uncertain significance (1 of 4 stars; one submission).

Conditions:
Neuropathy, hereditary sensory, type 2C. Also called: KIF1A-Related HSAN2 (HSAN2C); Hereditary sensory and autonomic neuropathy type IIC. Identifiers: Orphanet 970, MedGen C3280168, MONDO:0013634, OMIM 614213.
Hereditary spastic paraplegia 30. Identifiers: Orphanet 101010, MedGen C5235139, MONDO:0012476.
Intellectual disability, autosomal dominant 9 (NESCAVS). Also called: KIF1A-Related Neurodevelopmental Disorder; NESCAV SYNDROME. Identifiers: Orphanet 662367, MedGen C5393830, MONDO:0013656, OMIM 614255.

gnomAD v4.1: 7 of 1,612,360 alleles (0.00043%); highest among the groups gnomAD compares: Non-Finnish European, 0.00051%; no homozygotes.

Submission:

Labcorp Genetics (formerly Invitae), Labcorp
Classification: Uncertain significance for Hereditary spastic paraplegia 30; Neuropathy, hereditary sensory, type 2C; Intellectual disability, autosomal dominant 9. Last evaluated: 2025-01-22. Review status: criteria provided, single submitter. Criteria: Invitae Variant Classification Sherloc (09022015). Collection method: clinical testing. Allele origin: germline.
Comment: This sequence change replaces arginine, which is basic and polar, with tryptophan, which is neutral and slightly polar, at codon 1616 of the KIF1A protein (p.Arg1616Trp). This variant is not present in population databases (gnomAD no frequency). This variant has not been reported in the literature in individuals affected with KIF1A-related conditions. Invitae Evidence Modeling of protein sequence and biophysical properties (such as structural, functional, and spatial information, amino acid conservation, physicochemical variation, residue mobility, and thermodynamic stability) indicates that this missense variant is not expected to disrupt KIF1A protein function with a negative predictive value of 95%. In summary, the available evidence is currently insufficient to determine the role of this variant in disease. Therefore, it has been classified as a Variant of Uncertain Significance.